The following is an entry in ClinVar:

NM_005908.4(MANBA):c.2482G>A (p.Val828Ile)

Gene: MANBA (mannosidase beta; minus strand). Cytogenetic location: 4q24.
Variant type: single nucleotide variant.
Coding change: c.2482G>A on transcript NM_005908.4 (MANE Select); coding-DNA position 2482, G replaced by A.
Protein change: p.Val828Ile; replaces valine 828 with isoleucine.
Molecular consequence: missense variant.
Genome position (GRCh38, 1-based): chr4:102,632,215, C>T on the plus strand (G>A on the coding strand, the complement: MANBA is on the minus strand). VCF-style: chr4-102632215-C-T. GRCh37 (hg19) VCF-style: chr4-103553372-C-T.
Other names: short protein forms V828I.
Identifiers: ClinVar variation 347077 (VCV000347077.20), dbSNP rs75826658, ClinGen allele CA3026601.

ClinVar aggregate classification (germline): Benign/Likely benign. Review status: criteria provided, multiple submitters, no conflicts (2 of 4 stars). 8 submissions from 8 submitters: Benign (3); Likely benign (2). 3 of the submissions do not count toward it. Last evaluated 2026-02-04.

Conditions:
Beta-D-mannosidosis (MANSB). Also called: LYSOSOMAL BETA-MANNOSIDASE DEFICIENCY; Beta-Mannosidosis; MANNOSIDOSIS, BETA A, LYSOSOMAL; BETA-MANNOSIDASE DEFICIENCY. Identifiers: Orphanet 118, MedGen C4048196, MONDO:0009562, OMIM 248510.

Allele frequency attached by ClinVar (database versions not stated): gnomAD 0.01517 and 0.01449; 1000 Genomes Project 0.00639; 1000 Genomes Project 30x 0.00671; gnomAD exomes 0.01654 and 0.01383; TOPMed 0.01276; ESP Exome Variant Server 0.01292; ExAC 0.01313.
gnomAD v4.1: 26,287 of 1,613,602 alleles (1.6%); highest among the groups gnomAD compares: Non-Finnish European, 1.8%; 286 homozygotes.

Submissions (8):

Labcorp Genetics (formerly Invitae), Labcorp
Classification: Benign for Beta-D-mannosidosis. Last evaluated: 2026-02-04. Review status: criteria provided, single submitter. Criteria: Invitae Variant Classification Sherloc (09022015). Collection method: clinical testing. Allele origin: germline.

GeneDx
Classification: Likely benign. Last evaluated: 2022-09-27. Review status: criteria provided, single submitter. Criteria: GeneDx Variant Classification Process June 2021. Collection method: clinical testing. Allele origin: germline. Affected: yes.
Comment: See Variant Classification Assertion Criteria.

Athena Diagnostics
Classification: Benign. Last evaluated: 2019-07-26. Review status: criteria provided, single submitter. Criteria: Athena Diagnostics Criteria. Collection method: clinical testing. Allele origin: germline.

Illumina Laboratory Services, Illumina
Classification: Benign for Beta-D-mannosidosis. Last evaluated: 2018-01-12. Review status: criteria provided, single submitter. Criteria: ICSL Variant Classification Criteria 13 December 2019. Collection method: clinical testing. Allele origin: germline.
Comment: This variant was observed in the ICSL laboratory as part of a predisposition screen in an ostensibly healthy population. It had not been previously curated by ICSL or reported in the Human Gene Mutation Database (HGMD: prior to June 1st, 2018), and was therefore a candidate for classification through an automated scoring system. Utilizing variant allele frequency, disease prevalence and penetrance estimates, and inheritance mode, an automated score was calculated to assess if this variant is too frequent to cause the disease. Based on the score and internal cut-off values, a variant classified as benign is not then subjected to further curation. The score for this variant resulted in a classification of benign for this disease.

Breakthrough Genomics
Classification: Likely benign. Review status: criteria provided, single submitter. Criteria: ACMG Guidelines, 2015. Collection method: not provided. Allele origin: germline. Inheritance: Autosomal recessive inheritance. Affected: yes.

Mayo Clinic Laboratories, Mayo Clinic
Classification: Benign. Last evaluated: 2015-10-26. Review status: no assertion criteria provided. Collection method: clinical testing. Allele origin: unknown. Not counted in ClinVar's aggregate classification.

Genome Diagnostics Laboratory, University Medical Center Utrecht
Classification: Benign. Review status: no assertion criteria provided. Collection method: clinical testing. Allele origin: germline. Affected: yes. Study: VKGL Data-share Consensus. Not counted in ClinVar's aggregate classification.

Laboratory of Diagnostic Genome Analysis, Leiden University Medical Center (LUMC)
Classification: Likely benign. Review status: no assertion criteria provided. Collection method: clinical testing. Allele origin: germline. Affected: yes. Study: VKGL Data-share Consensus. Not counted in ClinVar's aggregate classification.